The following is an entry in ClinVar:

ClinVar aggregate classification (germline): Pathogenic/Likely pathogenic. Review status: criteria provided, multiple submitters, no conflicts (2 of 4 stars). 2 submissions from 2 submitters: Pathogenic (1); Likely pathogenic (1). Last evaluated 2021-03-28.

Conditions:
CDH23-related disorder. Also called: CDH23-related disorders; CDH23-related condition.

Submissions (2):

Labcorp Genetics (formerly Invitae), Labcorp
Classification: Pathogenic. Last evaluated: 2021-03-28. Review status: criteria provided, single submitter. Criteria: Invitae Variant Classification Sherloc (09022015). Collection method: clinical testing. Allele origin: germline.
Comment: For these reasons, this variant has been classified as Pathogenic. This variant has not been reported in the literature in individuals with CDH23-related conditions. This sequence change creates a premature translational stop signal (p.Ala1126Profs*34) in the CDH23 gene. It is expected to result in an absent or disrupted protein product. Loss-of-function variants in CDH23 are known to be pathogenic (PMID: 11138009, 21940737). This variant is not present in population databases (ExAC no frequency).

Blueprint Genetics
Classification: Likely pathogenic for CDH23-related disorders. Last evaluated: 2019-10-29. Review status: criteria provided, single submitter. Criteria: ACMG Guidelines, 2015. Collection method: clinical testing. Allele origin: germline. Affected: yes. Observed: 1 variant allele.

Literature cited by the submitters: PubMed 11138009 (cited by Labcorp Genetics (formerly Invitae), Labcorp); PubMed 21940737 (cited by Labcorp Genetics (formerly Invitae), Labcorp).

NM_022124.6(CDH23):c.3375del (p.Ala1126fs)

Genes: C10orf105 (chromosome 10 open reading frame 105; minus strand), CDH23 (cadherin related 23; plus strand). Cytogenetic location: 10q22.1.
Variant type: Deletion.
Coding change: c.3375del on transcript NM_022124.6 (MANE Select); coding-DNA position 3375, one base deleted (A; older notation c.3375delA).
Protein change: p.Ala1126fs; shifts the reading frame from alanine 1126.
Molecular consequence: frameshift variant. On other transcripts: intron variant (1).
Genome position (GRCh38, 1-based): chr10:71,724,050, A deleted; the last of 3 consecutive A bases (chr10:71,724,048-71,724,050); deleting any one gives the same sequence. VCF-style (leftmost placement, unchanged base first): chr10-71724047-GA-G. GRCh37 (hg19) VCF-style: chr10-73483804-GA-G.
Other names: c.3375del, p.Ala1126fs (NM_001171930.2); c.-5-7706del (NM_001168390.2); short protein forms A1126fs.
Identifiers: ClinVar variation 1378730 (VCV001378730.8), dbSNP rs2132800019, ClinGen allele CA2573145363.